The following is an entry in ClinVar:

ClinVar aggregate classification (germline): Conflicting classifications of pathogenicity. Review status: criteria provided, conflicting classifications (1 of 4 stars). 2 submissions from 2 submitters: Uncertain significance (1); Likely benign (1). Last evaluated 2026-07-12.

Conditions:
Tuberous sclerosis 2 (TSC2). Identifiers: Orphanet 805, MedGen C1860707, MONDO:0013199, OMIM 613254.
Hereditary cancer-predisposing syndrome. Also called: Neoplastic Syndromes, Hereditary; Tumor predisposition; Hereditary Cancer Syndrome; Hereditary neoplastic syndrome. Identifiers: Orphanet 140162, MedGen C0027672, MeSH D009386, MONDO:0015356.

gnomAD v4.1: 2 of 1,614,226 alleles (0.00012%); highest among the groups gnomAD compares: Middle Eastern, 0.016%; no homozygotes.

Submissions (2):

Ambry Genetics
Classification: Likely benign for Hereditary cancer-predisposing syndrome. Last evaluated: 2026-07-12. Review status: criteria provided, single submitter. Criteria: Ambry Variant Classification Scheme 2023. Collection method: clinical testing. Allele origin: germline.

Labcorp Genetics (formerly Invitae), Labcorp
Classification: Uncertain significance for Tuberous sclerosis 2. Last evaluated: 2025-04-14. Review status: criteria provided, single submitter. Criteria: Invitae Variant Classification Sherloc (09022015). Collection method: clinical testing. Allele origin: germline.
Comment: This sequence change affects codon 181 of the TSC2 mRNA. It is a 'silent' change, meaning that it does not change the encoded amino acid sequence of the TSC2 protein. This variant is not present in population databases (gnomAD no frequency). This variant has not been reported in the literature in individuals affected with TSC2-related conditions. Algorithms developed to predict the effect of sequence changes on RNA splicing suggest that this variant may disrupt the consensus splice site. In summary, the available evidence is currently insufficient to determine the role of this variant in disease. Therefore, it has been classified as a Variant of Uncertain Significance.

NM_000548.5(TSC2):c.543G>A (p.Val181=)

Gene: TSC2 (TSC complex subunit 2; plus strand). Cytogenetic location: 16p13.3.
Variant type: single nucleotide variant.
Coding change: c.543G>A on transcript NM_000548.5 (MANE Select); coding-DNA position 543, G replaced by A.
Protein change: p.Val181=; no amino-acid change (valine 181 retained).
Molecular consequence: synonymous variant. On other transcripts: 5 prime UTR variant (13), non-coding transcript variant (5), intron variant (6).
Genome position (GRCh38, 1-based): chr16:2,055,463, G>A. VCF-style: chr16-2055463-G-A. GRCh37 (hg19) VCF-style: chr16-2105464-G-A.
Other names: c.543G>A, p.Val181= (NM_001077183.3, NM_001114382.3, NM_001363528.2 and 8 more transcripts); c.432G>A, p.Val144= (NM_001318827.2, NM_001406670.1, NM_001406678.1); c.396G>A, p.Val132= (NM_001318829.2, NM_001406675.1, NM_001406676.1 and 1 more transcripts); c.576G>A, p.Val192= (NM_001318832.2); c.633G>A, p.Val211= (NM_001406667.1, NM_001406668.1); c.486G>A, p.Val162= (NM_001406677.1); c.-274G>A (NM_001406680.1, NM_001406683.1, NM_001406687.1); c.81G>A, p.Val27= (NM_001406681.1); and 6 more.
Identifiers: ClinVar variation 4810116 (VCV004810116.2).